The following is an entry in ClinVar:

NM_001013838.3(CARMIL2):c.125A>G (p.His42Arg)

Gene: CARMIL2 (capping protein regulator and myosin 1 linker 2; plus strand). Cytogenetic location: 16q22.1.
Variant type: single nucleotide variant.
Coding change: c.125A>G on transcript NM_001013838.3 (MANE Select); coding-DNA position 125, A replaced by G.
Protein change: p.His42Arg; replaces histidine 42 with arginine.
Molecular consequence: missense variant.
Genome position (GRCh38, 1-based): chr16:67,645,624, A>G. VCF-style: chr16-67645624-A-G. GRCh37 (hg19) VCF-style: chr16-67679527-A-G.
Other names: c.125A>G, p.His42Arg (NM_001317026.3); short protein forms H42R.
Identifiers: ClinVar variation 2185285 (VCV002185285.3), dbSNP rs199513999, ClinGen allele CA8112927.

ClinVar aggregate classification (germline): Uncertain significance (1 of 4 stars; one submission).

Allele frequency attached by ClinVar (database versions not stated): ESP Exome Variant Server 0.00016; ExAC 0.00003; gnomAD 0.00007; TOPMed 0.00008; gnomAD exomes 0.00010.
gnomAD v4.1: 153 of 1,613,462 alleles (0.0095%); highest among the groups gnomAD compares: Non-Finnish European, 0.012%; no homozygotes.

Submission:

Labcorp Genetics (formerly Invitae), Labcorp
Classification: Uncertain significance. Last evaluated: 2026-01-21. Review status: criteria provided, single submitter. Criteria: Invitae Variant Classification Sherloc (09022015). Collection method: clinical testing. Allele origin: germline.
Comment: This sequence change replaces histidine, which is basic and polar, with arginine, which is basic and polar, at codon 42 of the CARMIL2 protein (p.His42Arg). This variant is present in population databases (rs199513999, gnomAD 0.008%). This variant has not been reported in the literature in individuals affected with CARMIL2-related conditions. ClinVar contains an entry for this variant (Variation ID: 2185285). Invitae Evidence Modeling of protein sequence and biophysical properties (such as structural, functional, and spatial information, amino acid conservation, physicochemical variation, residue mobility, and thermodynamic stability) indicates that this missense variant is not expected to disrupt CARMIL2 protein function with a negative predictive value of 80%. In summary, the available evidence is currently insufficient to determine the role of this variant in disease. Therefore, it has been classified as a Variant of Uncertain Significance.